The following is an entry in ClinVar:

NM_004168.4(SDHA):c.1650G>C (p.Lys550Asn)

Gene: SDHA (succinate dehydrogenase complex flavoprotein subunit A; plus strand). Cytogenetic location: 5p15.33.
Variant type: single nucleotide variant.
Coding change: c.1650G>C on transcript NM_004168.4 (MANE Select); coding-DNA position 1650, G replaced by C.
Protein change: p.Lys550Asn; replaces lysine 550 with asparagine.
Molecular consequence: missense variant. On other transcripts: intron variant (1).
Genome position (GRCh38, 1-based): chr5:251,090, G>C. VCF-style: chr5-251090-G-C. GRCh37 (hg19) VCF-style: chr5-251205-G-C.
Other names: c.1506G>C, p.Lys502Asn (NM_001294332.2); c.1552-3303G>C (NM_001330758.2); short protein forms K502N, K550N.
Identifiers: ClinVar variation 4789769 (VCV004789769.1).

ClinVar aggregate classification (germline): Uncertain significance (1 of 4 stars; one submission).

Conditions:
Mitochondrial complex II deficiency, nuclear type 1. Also called: SUCCINATE CoQ REDUCTASE DEFICIENCY. Identifiers: Orphanet 3208, MedGen C5700310, MONDO:0100294, OMIM 252011.
Pheochromocytoma/paraganglioma syndrome 5. Also called: Paragangliomas 5; SDHA-Related Hereditary Paraganglioma-Pheochromocytoma Syndrome. Identifiers: Orphanet 29072, MedGen C3279992, MONDO:0013602, OMIM 614165.

Submission:

Labcorp Genetics (formerly Invitae), Labcorp
Classification: Uncertain significance for Pheochromocytoma/paraganglioma syndrome 5; Mitochondrial complex II deficiency, nuclear type 1. Last evaluated: 2025-09-21. Review status: criteria provided, single submitter. Criteria: Invitae Variant Classification Sherloc (09022015). Collection method: clinical testing. Allele origin: germline.
Comment: This sequence change replaces lysine, which is basic and polar, with asparagine, which is neutral and polar, at codon 550 of the SDHA protein (p.Lys550Asn). This variant is not present in population databases (gnomAD no frequency). This variant has not been reported in the literature in individuals affected with SDHA-related conditions. Invitae Evidence Modeling of protein sequence and biophysical properties (such as structural, functional, and spatial information, amino acid conservation, physicochemical variation, residue mobility, and thermodynamic stability) indicates that this missense variant is not expected to disrupt SDHA protein function with a negative predictive value of 95%. In summary, the available evidence is currently insufficient to determine the role of this variant in disease. Therefore, it has been classified as a Variant of Uncertain Significance.